The following is an entry in ClinVar:

NM_000444.6(PHEX):c.1882A>G (p.Lys628Glu)

Genes: PHEX (phosphate regulating endopeptidase X-linked; plus strand), PTCHD1-AS (PTCHD1 and PHEX antisense RNA; minus strand). Cytogenetic location: Xp22.11.
Variant type: single nucleotide variant.
Coding change: c.1882A>G on transcript NM_000444.6 (MANE Select); coding-DNA position 1882, A replaced by G.
Protein change: p.Lys628Glu; replaces lysine 628 with glutamic acid.
Molecular consequence: missense variant.
Genome position (GRCh38, 1-based): chrX:22,221,726, A>G. VCF-style: chrX-22221726-A-G. GRCh37 (hg19) VCF-style: chrX-22239843-A-G.
Other names: c.1882A>G, p.Lys628Glu (NM_001282754.2); short protein forms K628E.
Identifiers: ClinVar variation 4780774 (VCV004780774.1).

ClinVar aggregate classification (germline): Uncertain significance (1 of 4 stars; one submission).

Submission:

Labcorp Genetics (formerly Invitae), Labcorp
Classification: Uncertain significance. Last evaluated: 2025-04-14. Review status: criteria provided, single submitter. Criteria: Invitae Variant Classification Sherloc (09022015). Collection method: clinical testing. Allele origin: germline.
Comment: This sequence change replaces lysine, which is basic and polar, with glutamic acid, which is acidic and polar, at codon 628 of the PHEX protein (p.Lys628Glu). This variant is not present in population databases (gnomAD no frequency). This variant has not been reported in the literature in individuals affected with PHEX-related conditions. Invitae Evidence Modeling of protein sequence and biophysical properties (such as structural, functional, and spatial information, amino acid conservation, physicochemical variation, residue mobility, and thermodynamic stability) has been performed for this missense variant. However, the output from this modeling did not meet the statistical confidence thresholds required to predict the impact of this variant on PHEX protein function. In summary, the available evidence is currently insufficient to determine the role of this variant in disease. Therefore, it has been classified as a Variant of Uncertain Significance.